The following is an entry in ClinVar:

ClinVar aggregate classification (germline): Conflicting classifications of pathogenicity. Review status: criteria provided, conflicting classifications (1 of 4 stars). 4 submissions from 4 submitters: Uncertain significance (3); Likely benign (1). Last evaluated 2026-01-22.

Conditions:
Retinitis pigmentosa (RP). Identifiers: Orphanet 791, MedGen C0035334, MeSH D012174, MONDO:0019200, OMIM 268000. Inheritance: Autosomal dominant, autosomal recessive and X linked inheritance.

Allele frequency attached by ClinVar (database versions not stated): ESP Exome Variant Server 0.00015; gnomAD 0.00026 and 0.00027; TOPMed 0.00029; gnomAD exomes 0.00031 and 0.00036; ExAC 0.00035.
gnomAD v4.1: 567 of 1,613,572 alleles (0.035%); highest among the groups gnomAD compares: Middle Eastern, 0.25%; 1 homozygote.

Submissions (4):

Labcorp Genetics (formerly Invitae), Labcorp
Classification: Uncertain significance. Last evaluated: 2026-01-22. Review status: criteria provided, single submitter. Criteria: Invitae Variant Classification Sherloc (09022015). Collection method: clinical testing. Allele origin: germline.
Comment: This sequence change falls in intron 7 of the CA4 gene. It does not directly change the encoded amino acid sequence of the CA4 protein. It affects a nucleotide within the consensus splice site. This variant is present in population databases (rs373253742, gnomAD 0.05%), and has an allele count higher than expected for a pathogenic variant. This variant has not been reported in the literature in individuals affected with CA4-related conditions. ClinVar contains an entry for this variant (Variation ID: 324236). Variants that disrupt the consensus splice site are a relatively common cause of aberrant splicing (PMID: 17576681, 9536098). Algorithms developed to predict the effect of sequence changes on RNA splicing suggest that this variant is not likely to affect RNA splicing. In summary, the available evidence is currently insufficient to determine the role of this variant in disease. Therefore, it has been classified as a Variant of Uncertain Significance.

Blueprint Genetics
Classification: Likely benign. Last evaluated: 2024-11-07. Review status: criteria provided, single submitter. Criteria: ACMG Guidelines, 2015. Collection method: clinical testing. Allele origin: germline.

Illumina Laboratory Services, Illumina
Classification: Uncertain significance for Retinitis pigmentosa. Last evaluated: 2018-01-12. Review status: criteria provided, single submitter. Criteria: ICSL Variant Classification Criteria 13 December 2019. Collection method: clinical testing. Allele origin: germline.

Eurofins Ntd Llc (ga)
Classification: Uncertain significance. Last evaluated: 2016-12-20. Review status: criteria provided, single submitter. Criteria: EGL Classification Definitions 2015. Collection method: clinical testing. Allele origin: germline. Observed: 1 variant allele, 1 heterozygote.

Literature cited by the submitters: PubMed 17576681 (cited by Labcorp Genetics (formerly Invitae), Labcorp); PubMed 9536098 (cited by Labcorp Genetics (formerly Invitae), Labcorp).

NM_000717.5(CA4):c.744+3G>A

Gene: CA4 (carbonic anhydrase 4; plus strand). Cytogenetic location: 17q23.1.
Variant type: single nucleotide variant.
Coding change: c.744+3G>A on transcript NM_000717.5 (MANE Select); 3 bases into the intron after coding-DNA position 744, G replaced by A.
Molecular consequence: intron variant.
Genome position (GRCh38, 1-based): chr17:60,158,449, G>A. VCF-style: chr17-60158449-G-A. GRCh37 (hg19) VCF-style: chr17-58235810-G-A.
Identifiers: ClinVar variation 324236 (VCV000324236.17), dbSNP rs373253742, ClinGen allele CA8685493.
Genomic context (GRCh38, chr17:60,158,449, plus strand): 5'-CGATGAGAAGGTCGTCTGGACTGTGTTCCGGGAGCCCATTCAGCTTCACAGAGAACAGGT[G>A]CACAGGGCCTGGGGCAGGGCATGGGCTCCCACTGCCTGGCTCCCCAGAAATTATCCCTCT-3'